The following is an entry in ClinVar:

NM_152383.5(DIS3L2):c.32G>A (p.Arg11Gln)

Gene: DIS3L2 (DIS3 like 3'-5' exoribonuclease 2; plus strand). Cytogenetic location: 2q37.1.
Variant type: single nucleotide variant.
Coding change: c.32G>A on transcript NM_152383.5 (MANE Select); coding-DNA position 32, G replaced by A.
Protein change: p.Arg11Gln; replaces arginine 11 with glutamine.
Molecular consequence: missense variant. On other transcripts: non-coding transcript variant (2).
Genome position (GRCh38, 1-based): chr2:232,014,959, G>A. VCF-style: chr2-232014959-G-A. GRCh37 (hg19) VCF-style: chr2-232879669-G-A.
Other names: c.32G>A, p.Arg11Gln (NM_001257281.2, NM_001257282.2); short protein forms R11Q.
Identifiers: ClinVar variation 654011 (VCV000654011.10), dbSNP rs1574812165, ClinGen allele CA351151087.

ClinVar aggregate classification (germline): Uncertain significance (1 of 4 stars; one submission).

Conditions:
Perlman syndrome (PRLMNS). Identifiers: Orphanet 2849, MedGen C0796113, MONDO:0009965, OMIM 267000.

Allele frequency attached by ClinVar (database versions not stated): gnomAD exomes below 0.00001.
gnomAD v4.1: 6 of 1,613,992 alleles (0.00037%); highest among the groups gnomAD compares: South Asian, 0.0022%; no homozygotes.

Submission:

Labcorp Genetics (formerly Invitae), Labcorp
Classification: Uncertain significance for Perlman syndrome. Last evaluated: 2022-12-14. Review status: criteria provided, single submitter. Criteria: Invitae Variant Classification Sherloc (09022015). Collection method: clinical testing. Allele origin: germline.
Comment: This sequence change replaces arginine, which is basic and polar, with glutamine, which is neutral and polar, at codon 11 of the DIS3L2 protein (p.Arg11Gln). In summary, the available evidence is currently insufficient to determine the role of this variant in disease. Therefore, it has been classified as a Variant of Uncertain Significance. Algorithms developed to predict the effect of missense changes on protein structure and function output the following: SIFT: "Tolerated"; PolyPhen-2: "Benign"; Align-GVGD: "Class C0". The glutamine amino acid residue is found in multiple mammalian species, which suggests that this missense change does not adversely affect protein function. ClinVar contains an entry for this variant (Variation ID: 654011). This variant has not been reported in the literature in individuals affected with DIS3L2-related conditions. This variant is not present in population databases (gnomAD no frequency).